The following is an entry in ClinVar:

NM_002334.4(LRP4):c.3509G>A (p.Arg1170Gln)

Gene: LRP4 (LDL receptor related protein 4; minus strand). Cytogenetic location: 11p11.2.
Variant type: single nucleotide variant.
Coding change: c.3509G>A on transcript NM_002334.4 (MANE Select); coding-DNA position 3509, G replaced by A.
Protein change: p.Arg1170Gln; replaces arginine 1170 with glutamine.
Molecular consequence: missense variant.
Genome position (GRCh38, 1-based): chr11:46,876,493, C>T on the plus strand (G>A on the coding strand, the complement: LRP4 is on the minus strand). VCF-style: chr11-46876493-C-T. GRCh37 (hg19) VCF-style: chr11-46898044-C-T.
Other names: short protein forms R1170Q.
Identifiers: ClinVar variation 879890 (VCV000879890.5), dbSNP rs1190944217, ClinGen allele CA380274050.

ClinVar aggregate classification (germline): Conflicting classifications of pathogenicity. Review status: criteria provided, conflicting classifications (1 of 4 stars). 2 submissions from 2 submitters: Likely pathogenic (1); Uncertain significance (1). Last evaluated 2024-04-30.

Conditions:
Cenani-Lenz syndactyly syndrome. Also called: CENANI SYNDACTYLISM; SYNDACTYLY, TYPE VII. Identifiers: Orphanet 3258, MedGen C1859309, MONDO:0008931, OMIM 212780.
Sclerosteosis 2 (SOST2). Identifiers: Orphanet 3152, MedGen C3280402, MONDO:0013679, OMIM 614305.
Congenital myasthenic syndrome 17. Identifiers: Orphanet 590, MedGen C4225377, MONDO:0014578, OMIM 616304.

Allele frequency attached by ClinVar (database versions not stated): gnomAD 0.00001; gnomAD exomes 0.00001; TOPMed 0.00001.

Submissions (2):

Fulgent Genetics
Classification: Likely pathogenic for Cenani-Lenz syndactyly syndrome; Sclerosteosis 2; Congenital myasthenic syndrome 17. Last evaluated: 2024-04-30. Review status: criteria provided, single submitter. Criteria: ACMG Guidelines, 2015. Collection method: clinical testing. Allele origin: germline.

Illumina Laboratory Services, Illumina
Classification: Uncertain significance for Cenani-Lenz syndactyly syndrome. Last evaluated: 2017-04-27. Review status: criteria provided, single submitter. Criteria: ICSL Variant Classification Criteria 13 December 2019. Collection method: clinical testing. Allele origin: germline.
Comment: This variant was observed as part of a predisposition screen in an ostensibly healthy population. A literature search was performed for the gene, cDNA change, and amino acid change (where applicable). Publications were found based on this search. However, the evidence from the literature, in combination with allele frequency data from public databases where available, was not sufficient to rule this variant in or out of causing disease. Therefore, this variant is classified as a variant of unknown significance.

Literature cited by the submitters: PubMed 25119311 (cited by Illumina Laboratory Services, Illumina); PubMed 26751728 (cited by Illumina Laboratory Services, Illumina).